The following is an entry in ClinVar:

ClinVar aggregate classification (germline): Benign/Likely benign. Review status: criteria provided, multiple submitters, no conflicts (2 of 4 stars). 5 submissions from 5 submitters: Benign (1); Likely benign (4). Last evaluated 2025-08-25.

Conditions:
Hereditary cancer-predisposing syndrome. Also called: Neoplastic Syndromes, Hereditary; Hereditary neoplastic syndrome; Hereditary Cancer Syndrome; Tumor predisposition. Identifiers: Orphanet 140162, MedGen C0027672, MeSH D009386, MONDO:0015356.
Ataxia-telangiectasia syndrome (AT). Also called: Ataxia-telangiectasia, complementation group D; Ataxia-telangiectasia, complementation group E; LOUIS-BAR SYNDROME; AT, COMPLEMENTATION GROUP C; ATAXIA-TELANGIECTASIA, COMPLEMENTATION GROUP A; ATAXIA-TELANGIECTASIA, FRESNO VARIANT. Identifiers: Orphanet 100, MedGen C0004135, MONDO:0008840, OMIM 208900.
Familial cancer of breast. Also called: hereditary breast carcinoma; Hereditary breast cancer; BREAST CANCER, FAMILIAL. Identifiers: Orphanet 227535, MedGen C0346153, MONDO:0016419, OMIM 114480. Disease mechanism: loss of function.

Allele frequency attached by ClinVar (database versions not stated): gnomAD 0.00001; gnomAD exomes below 0.00001; ExAC 0.00001; TOPMed below 0.00001.
gnomAD v4.1: 4 of 1,614,068 alleles (0.00025%); highest among the groups gnomAD compares: Non-Finnish European, 0.00034%; no homozygotes.

Submissions (5):

Labcorp Genetics (formerly Invitae), Labcorp
Classification: Likely benign for Ataxia-telangiectasia syndrome. Last evaluated: 2025-08-25. Review status: criteria provided, single submitter. Criteria: Invitae Variant Classification Sherloc (09022015). Collection method: clinical testing. Allele origin: germline.

Myriad Genetics, Inc.
Classification: Benign for Familial cancer of breast. Last evaluated: 2024-06-24. Review status: criteria provided, single submitter. Criteria: Myriad Autosomal Dominant, Autosomal Recessive and X-Linked Classification Criteria (2023). Collection method: clinical testing. Allele origin: unknown.
Comment: This variant is considered benign. This variant is a silent/synonymous amino acid change and it is not expected to impact splicing.

Ambry Genetics
Classification: Likely benign for Hereditary cancer-predisposing syndrome. Last evaluated: 2021-05-09. Review status: criteria provided, single submitter. Criteria: Ambry Variant Classification Scheme 2023. Collection method: clinical testing. Allele origin: germline.

Genetic Services Laboratory, University of Chicago
Classification: Likely benign. Last evaluated: 2020-11-30. Review status: criteria provided, single submitter. Criteria: ACMG Guidelines, 2015. Collection method: clinical testing. Allele origin: germline. Affected: no.

GeneDx
Classification: Likely benign. Last evaluated: 2015-10-22. Review status: criteria provided, single submitter. Criteria: GeneDx Variant Classification (06012015). Collection method: clinical testing. Allele origin: germline. Affected: yes.
Comment: This variant is considered likely benign or benign based on one or more of the following criteria: it is a conservative change, it occurs at a poorly conserved position in the protein, it is predicted to be benign by multiple in silico algorithms, and/or has population frequency not consistent with disease.

NM_000051.4(ATM):c.9087T>G (p.Gly3029=)

Genes: ATM (ATM serine/threonine kinase; plus strand), C11orf65 (chromosome 11 open reading frame 65; minus strand). Cytogenetic location: 11q22.3.
Variant type: single nucleotide variant.
Coding change: c.9087T>G on transcript NM_000051.4 (MANE Select); coding-DNA position 9087, T replaced by G.
Protein change: p.Gly3029=; no amino-acid change (glycine 3029 retained).
Molecular consequence: synonymous variant. On other transcripts: intron variant (2).
Genome position (GRCh38, 1-based): chr11:108,365,424, T>G. VCF-style: chr11-108365424-T-G. GRCh37 (hg19) VCF-style: chr11-108236151-T-G.
Other names: c.9087T>G, p.Gly3029= (NM_001351834.2); c.640+20496A>C (NM_001330368.2); c.694+20496A>C (NM_001351110.2).
Identifiers: ClinVar variation 381133 (VCV000381133.16), dbSNP rs759675675, ClinGen allele CA6266520.
Genomic context (GRCh38, chr11:108,365,424, plus strand): 5'-CTTAATGAGACTACAAGAGAAACTGAAAGGAGTGGAAGAAGGCACTGTGCTCAGTGTTGG[T>G]GGACAAGTGAATTTGCTCATACAGCAGGCCATAGACCCCAAAAATCTCAGCCGACTTTTC-3'
Protein context (NP_000042.3, residues 3019-3039): GVEEGTVLSV[Gly3029=]GQVNLLIQQA